The following is an entry in ClinVar:

ClinVar aggregate classification (germline): Benign/Likely benign. Review status: criteria provided, multiple submitters, no conflicts (2 of 4 stars). 3 submissions from 3 submitters: Benign (1); Likely benign (2). Last evaluated 2023-08-24.

Conditions:
Inborn genetic diseases. Identifiers: MedGen C0950123, MeSH D030342.
Idiopathic generalized epilepsy. Also called: Generalised epilepsy; EIG. Identifiers: MedGen C0270850, MONDO:0005579, OMIM 600669.
Epilepsy, childhood absence 4 (ECA4). Also called: EPILEPSY, CHILDHOOD ABSENCE, SUSCEPTIBILITY TO, 4. Identifiers: Orphanet 307, MedGen C1970160.
Epilepsy, idiopathic generalized, susceptibility to, 13. Also called: EPILEPSY, JUVENILE MYOCLONIC, SUSCEPTIBILITY TO, 5. Identifiers: Orphanet 307, Orphanet 64280, MedGen C4013473, MONDO:0012627, OMIM 611136.

Allele frequency attached by ClinVar (database versions not stated): TOPMed below 0.00001; gnomAD 0.00002; gnomAD exomes 0.00003; ExAC 0.00004.
gnomAD v4.1: 27 of 1,613,914 alleles (0.0017%); highest among the groups gnomAD compares: South Asian, 0.0066%; no homozygotes.

Submissions (3):

Labcorp Genetics (formerly Invitae), Labcorp
Classification: Benign for Epilepsy, childhood absence 4; Epilepsy, idiopathic generalized, susceptibility to, 13; Idiopathic generalized epilepsy. Last evaluated: 2023-08-24. Review status: criteria provided, single submitter. Criteria: Invitae Variant Classification Sherloc (09022015). Collection method: clinical testing. Allele origin: germline.

GeneDx
Classification: Likely benign. Last evaluated: 2018-04-25. Review status: criteria provided, single submitter. Criteria: GeneDx Variant Classification (06012015). Collection method: clinical testing. Allele origin: germline. Affected: yes.
Comment: This variant is considered likely benign or benign based on one or more of the following criteria: it is a conservative change, it occurs at a poorly conserved position in the protein, it is predicted to be benign by multiple in silico algorithms, and/or has population frequency not consistent with disease.

Ambry Genetics
Classification: Likely benign for Inborn genetic diseases. Last evaluated: 2018-02-01. Review status: criteria provided, single submitter. Criteria: Ambry Variant Classification Scheme 2023. Collection method: clinical testing. Allele origin: germline.

NM_001127644.2(GABRA1):c.1146C>T (p.Gly382=)

Gene: GABRA1 (gamma-aminobutyric acid type A receptor subunit alpha1; plus strand). Cytogenetic location: 5q34.
Variant type: single nucleotide variant.
Coding change: c.1146C>T on transcript NM_001127644.2 (MANE Select); coding-DNA position 1146, C replaced by T.
Protein change: p.Gly382=; no amino-acid change (glycine 382 retained).
Molecular consequence: synonymous variant.
Genome position (GRCh38, 1-based): chr5:161,897,197, C>T. VCF-style: chr5-161897197-C-T. GRCh37 (hg19) VCF-style: chr5-161324203-C-T.
Other names: c.1146C>T, p.Gly382= (NM_000806.5, NM_001127643.2, NM_001127645.2 and 1 more transcripts).
Identifiers: ClinVar variation 668847 (VCV000668847.11), dbSNP rs79593368, ClinGen allele CA3544586.